The following is an entry in ClinVar:

ClinVar aggregate classification (germline): Conflicting classifications of pathogenicity. Review status: criteria provided, conflicting classifications (1 of 4 stars). 3 submissions from 3 submitters: Uncertain significance (1); Likely benign (2). Last evaluated 2024-08-01.

Allele frequency attached by ClinVar (database versions not stated): ExAC 0.00006; gnomAD exomes 0.00007 and 0.00026; gnomAD 0.00009 and 0.00010; TOPMed 0.00010.
gnomAD v4.1: 291 of 1,208,035 alleles (0.024%); highest among the groups gnomAD compares: Non-Finnish European, 0.031%; no homozygotes.

Submissions (3):

CeGaT Center for Human Genetics Tuebingen
Classification: Likely benign. Last evaluated: 2024-08-01. Review status: criteria provided, single submitter. Criteria: CeGaT Center For Human Genetics Tuebingen Variant Classification Criteria Version 2. Collection method: clinical testing. Allele origin: germline. Affected: yes. Observed: 1 variant allele.
Comment: CACNA1F: BP4, BS2

Blueprint Genetics
Classification: Likely benign. Last evaluated: 2024-06-07. Review status: criteria provided, single submitter. Criteria: ACMG Guidelines, 2015. Collection method: clinical testing. Allele origin: germline.

Labcorp Genetics (formerly Invitae), Labcorp
Classification: Uncertain significance. Last evaluated: 2024-02-02. Review status: criteria provided, single submitter. Criteria: Invitae Variant Classification Sherloc (09022015). Collection method: clinical testing. Allele origin: germline.
Comment: This sequence change falls in intron 7 of the CACNA1F gene. It does not directly change the encoded amino acid sequence of the CACNA1F protein. It affects a nucleotide within the consensus splice site. This variant is present in population databases (rs782069549, gnomAD 0.01%). This variant has not been reported in the literature in individuals affected with CACNA1F-related conditions. ClinVar contains an entry for this variant (Variation ID: 961530). Variants that disrupt the consensus splice site are a relatively common cause of aberrant splicing (PMID: 17576681, 9536098). Algorithms developed to predict the effect of sequence changes on RNA splicing suggest that this variant is not likely to affect RNA splicing. In summary, the available evidence is currently insufficient to determine the role of this variant in disease. Therefore, it has been classified as a Variant of Uncertain Significance.

Literature cited by the submitters: PubMed 17576681 (cited by Labcorp Genetics (formerly Invitae), Labcorp); PubMed 9536098 (cited by Labcorp Genetics (formerly Invitae), Labcorp).

NM_001256789.3(CACNA1F):c.1014+6G>A

Gene: CACNA1F (calcium voltage-gated channel subunit alpha1 F; minus strand). Cytogenetic location: Xp11.23.
Variant type: single nucleotide variant.
Coding change: c.1014+6G>A on transcript NM_001256789.3 (MANE Select); 6 bases into the intron after coding-DNA position 1014, G replaced by A.
Molecular consequence: intron variant.
Genome position (GRCh38, 1-based): chrX:49,228,245, C>T on the plus strand (G>A on the coding strand, the complement: CACNA1F is on the minus strand). VCF-style: chrX-49228245-C-T. GRCh37 (hg19) VCF-style: chrX-49084707-C-T.
Other names: c.1014+6G>A (NM_005183.4); c.819+6G>A (NM_001256790.3).
Identifiers: ClinVar variation 961530 (VCV000961530.23), dbSNP rs782069549, ClinGen allele CA10410977.
Genomic context (GRCh38, chrX:49,228,245, plus strand): 5'-CTGCGTGAGTGTCAGGGAGGAAAGGCAGGTGCAGCCTTTGAGCTCTGTGCCCACAGTCCA[C>T]CTCACCCAGTAGAGCACATCGGTCCAGCCTTCCATGGTGACACACTGGAAGACTGTCAGC-3'